The following is an entry in ClinVar:

NM_018834.6(MATR3):c.1555delinsAACTTT (p.Pro519fs)

Gene: MATR3 (matrin 3; plus strand). Cytogenetic location: 5q31.2.
Variant type: Indel.
Coding change: c.1555delinsAACTTT on transcript NM_018834.6 (MANE Select); coding-DNA position 1555, C replaced by AACTTT.
Protein change: p.Pro519fs; shifts the reading frame from proline 519.
Molecular consequence: frameshift variant.
Genome position (GRCh38, 1-based): chr5:139,319,454, C replaced by AACTTT. VCF-style: chr5-139319454-C-AACTTT. GRCh37 (hg19) VCF-style: chr5-138655143-C-AACTTT.
Other names: c.1555delinsAACTTT, p.Pro519fs (NM_001194954.2, NM_001194955.2, NM_001400441.1 and 16 more transcripts); c.691delinsAACTTT, p.Pro231fs (NM_001194956.2); c.541delinsAACTTT, p.Pro181fs (NM_001282278.2, NM_001400460.1, NM_001400462.1 and 5 more transcripts); c.694delinsAACTTT, p.Pro232fs (NM_001400459.1); c.655delinsAACTTT, p.Pro219fs (NM_001400461.1); short protein forms P181fs, P232fs, P231fs, P519fs, P219fs.
Identifiers: ClinVar variation 2087821 (VCV002087821.4), dbSNP rs2546836562, ClinGen allele CA2580072926.

ClinVar aggregate classification (germline): Uncertain significance (1 of 4 stars; one submission).

Conditions:
Amyotrophic lateral sclerosis type 21. Also called: VOCAL CORD AND PHARYNGEAL DYSFUNCTION WITH DISTAL MYOPATHY; MYOPATHY, DISTAL, 2. Identifiers: Orphanet 600, Orphanet 803, MedGen C3807521, MONDO:0011632, OMIM 606070.

Submission:

Labcorp Genetics (formerly Invitae), Labcorp
Classification: Uncertain significance for Amyotrophic lateral sclerosis type 21. Last evaluated: 2023-07-30. Review status: criteria provided, single submitter. Criteria: Invitae Variant Classification Sherloc (09022015). Collection method: clinical testing. Allele origin: germline.
Comment: In summary, the available evidence is currently insufficient to determine the role of this variant in disease. Therefore, it has been classified as a Variant of Uncertain Significance. This variant has not been reported in the literature in individuals affected with MATR3-related conditions. This variant is not present in population databases (gnomAD no frequency). This sequence change creates a premature translational stop signal (p.Pro519Asnfs*7) in the MATR3 gene. It is expected to result in an absent or disrupted protein product. However, the current clinical and genetic evidence is not sufficient to establish whether loss-of-function variants in MATR3 cause disease.